The following is an entry in ClinVar:

ClinVar aggregate classification (germline): Uncertain significance. Review status: criteria provided, multiple submitters, no conflicts (2 of 4 stars). 3 submissions from 3 submitters: Uncertain significance (3). Last evaluated 2025-03-11.

Conditions:
Inborn genetic diseases. Identifiers: MedGen C0950123, MeSH D030342.

Allele frequency attached by ClinVar (database versions not stated): TOPMed 0.00002; ExAC 0.00003.
gnomAD v4.1: 39 of 1,587,642 alleles (0.0025%); highest among the groups gnomAD compares: Non-Finnish European, 0.0033%; no homozygotes.

Submissions (3):

Labcorp Genetics (formerly Invitae), Labcorp
Classification: Uncertain significance. Last evaluated: 2025-03-11. Review status: criteria provided, single submitter. Criteria: Invitae Variant Classification Sherloc (09022015). Collection method: clinical testing. Allele origin: germline.
Comment: This sequence change replaces alanine, which is neutral and non-polar, with threonine, which is neutral and polar, at codon 5 of the LEMD3 protein (p.Ala5Thr). The frequency data for this variant in the population databases is considered unreliable, as metrics indicate poor data quality at this position in the gnomAD database. This variant has not been reported in the literature in individuals affected with LEMD3-related conditions. ClinVar contains an entry for this variant (Variation ID: 284851). An algorithm developed to predict the effect of missense changes on protein structure and function outputs the following: PolyPhen-2: "Benign". The threonine amino acid residue is found in multiple mammalian species, which suggests that this missense change does not adversely affect protein function. In summary, the available evidence is currently insufficient to determine the role of this variant in disease. Therefore, it has been classified as a Variant of Uncertain Significance.

Ambry Genetics
Classification: Uncertain significance for Inborn genetic diseases. Last evaluated: 2024-02-28. Review status: criteria provided, single submitter. Criteria: Ambry Variant Classification Scheme 2023. Collection method: clinical testing. Allele origin: germline.

Eurofins Ntd Llc (ga)
Classification: Uncertain significance. Last evaluated: 2015-12-08. Review status: criteria provided, single submitter. Criteria: EGL Classification Definitions 2015. Collection method: clinical testing. Allele origin: germline. Observed: 1 variant allele, 1 heterozygote.

NM_014319.5(LEMD3):c.13G>A (p.Ala5Thr)

Gene: LEMD3 (LEM domain containing 3; plus strand). Cytogenetic location: 12q14.3.
Variant type: single nucleotide variant.
Coding change: c.13G>A on transcript NM_014319.5 (MANE Select); coding-DNA position 13, G replaced by A.
Protein change: p.Ala5Thr; replaces alanine 5 with threonine.
Molecular consequence: missense variant.
Genome position (GRCh38, 1-based): chr12:65,169,609, G>A. VCF-style: chr12-65169609-G-A. GRCh37 (hg19) VCF-style: chr12-65563389-G-A.
Other names: c.13G>A, p.Ala5Thr (NM_001167614.2); c.13G>A (NM_014319.4); short protein forms A5T.
Identifiers: ClinVar variation 284851 (VCV000284851.9), dbSNP rs766588987, ClinGen allele CA6670649.
Genomic context (GRCh38, chr12:65,169,609, plus strand): 5'-CGCGTCACTTCCGGTAGCGCGGAGCTTGTAAAACACCCTGGAGAGAAAATGGCGGCGGCA[G>A]CAGCTTCGGCGCCTCAGCAGCTCTCGGATGAGGAGCTTTTCTCTCAGCTCCGCCGTTACG-3'
Protein context (NP_055134.2, residues 1-15): MAAA[Ala5Thr]ASAPQQLSDE